The following is an entry in ClinVar:

NM_001909.5(CTSD):c.1119G>C (p.Met373Ile)

Gene: CTSD (cathepsin D; minus strand). Cytogenetic location: 11p15.5.
Variant type: single nucleotide variant.
Coding change: c.1119G>C on transcript NM_001909.5 (MANE Select); coding-DNA position 1119, G replaced by C.
Protein change: p.Met373Ile; replaces methionine 373 with isoleucine.
Molecular consequence: missense variant.
Genome position (GRCh38, 1-based): chr11:1,753,623, C>G on the plus strand (G>C on the coding strand, the complement: CTSD is on the minus strand). VCF-style: chr11-1753623-C-G. GRCh37 (hg19) VCF-style: chr11-1774853-C-G.
Other names: short protein forms M373I.
Identifiers: ClinVar variation 205343 (VCV000205343.11), dbSNP rs796052398, ClinGen allele CA314328.

ClinVar aggregate classification (germline): Uncertain significance. Review status: criteria provided, multiple submitters, no conflicts (2 of 4 stars). 2 submissions from 2 submitters: Uncertain significance (2). Last evaluated 2025-09-02.

Conditions:
Neuronal ceroid lipofuscinosis. Also called: Neuronal Ceroid Lipofuscinoses. Identifiers: Orphanet 216, Orphanet 79263, MedGen C0027877, MONDO:0016295. Disease mechanism: loss of function.
Neuronal ceroid lipofuscinosis 10 (CLN10). Also called: CTSD-Related Neuronal Ceroid-Lipofuscinosis; NEURONAL CEROID LIPOFUSCINOSIS DUE TO CATHEPSIN D DEFICIENCY. Identifiers: Orphanet 228337, MedGen C1864669, MONDO:0012414, OMIM 610127.

Allele frequency attached by ClinVar (database versions not stated): gnomAD exomes below 0.00001; TOPMed 0.00001.
gnomAD v4.1: 2 of 1,612,986 alleles (0.00012%); highest among the groups gnomAD compares: Non-Finnish European, 0.000085%; no homozygotes.

Submissions (2):

Labcorp Genetics (formerly Invitae), Labcorp
Classification: Uncertain significance for Neuronal ceroid lipofuscinosis. Last evaluated: 2025-09-02. Review status: criteria provided, single submitter. Criteria: Invitae Variant Classification Sherloc (09022015). Collection method: clinical testing. Allele origin: germline.
Comment: This sequence change replaces methionine, which is neutral and non-polar, with isoleucine, which is neutral and non-polar, at codon 373 of the CTSD protein (p.Met373Ile). This variant is not present in population databases (gnomAD no frequency). This variant has not been reported in the literature in individuals affected with CTSD-related conditions. ClinVar contains an entry for this variant (Variation ID: 205343). Invitae Evidence Modeling of protein sequence and biophysical properties (such as structural, functional, and spatial information, amino acid conservation, physicochemical variation, residue mobility, and thermodynamic stability) indicates that this missense variant is not expected to disrupt CTSD protein function with a negative predictive value of 80%. In summary, the available evidence is currently insufficient to determine the role of this variant in disease. Therefore, it has been classified as a Variant of Uncertain Significance.

Illumina Laboratory Services, Illumina
Classification: Uncertain significance for Neuronal ceroid lipofuscinosis 10. Last evaluated: 2018-01-12. Review status: criteria provided, single submitter. Criteria: ICSL Variant Classification Criteria 13 December 2019. Collection method: clinical testing. Allele origin: germline.